The following is an entry in ClinVar:

ClinVar aggregate classification (germline): Likely benign. Review status: criteria provided, multiple submitters, no conflicts (2 of 4 stars). 3 submissions from 3 submitters: Likely benign (2). 1 of the submissions does not count toward it. Last evaluated 2024-06-20.

Conditions:
PC-related disorder. Also called: PC-related condition.
Pyruvate carboxylase deficiency. Also called: ATAXIA WITH LACTIC ACIDOSIS II; Pyruvate Carboxylase Deficiency Disease; LEIGH NECROTIZING ENCEPHALOPATHY DUE TO PYRUVATE CARBOXYLASE DEFICIENCY; LEIGH SYNDROME DUE TO PYRUVATE CARBOXYLASE DEFICIENCY; PC DEFICIENCY. Identifiers: Orphanet 3008, MedGen C0034341, MONDO:0009949, OMIM 266150.

Allele frequency attached by ClinVar (database versions not stated): gnomAD 0.00001; TOPMed 0.00001; gnomAD exomes 0.00002 and 0.00005; ExAC 0.00003.
gnomAD v4.1: 35 of 1,613,672 alleles (0.0022%); highest among the groups gnomAD compares: Admixed American, 0.0067%; no homozygotes.

Submissions (3):

Labcorp Genetics (formerly Invitae), Labcorp
Classification: Likely benign for Pyruvate carboxylase deficiency. Last evaluated: 2024-06-20. Review status: criteria provided, single submitter. Criteria: Invitae Variant Classification Sherloc (09022015). Collection method: clinical testing. Allele origin: germline.

Blueprint Genetics
Classification: Likely benign. Last evaluated: 2024-04-08. Review status: criteria provided, single submitter. Criteria: ACMG Guidelines, 2015. Collection method: clinical testing. Allele origin: germline.

PreventionGenetics, part of Exact Sciences
Classification: Likely benign for PC-related condition. Last evaluated: 2019-03-13. Review status: no assertion criteria provided. Collection method: clinical testing. Allele origin: germline. Not counted in ClinVar's aggregate classification.
Comment: This variant is classified as likely benign based on ACMG/AMP sequence variant interpretation guidelines (Richards et al. 2015 PMID: 25741868, with internal and published modifications).

NM_001040716.2(PC):c.1197C>T (p.Ser399=)

Gene: PC (pyruvate carboxylase; minus strand). Cytogenetic location: 11q13.2.
Variant type: single nucleotide variant.
Coding change: c.1197C>T on transcript NM_001040716.2 (MANE Select); coding-DNA position 1197, C replaced by T.
Protein change: p.Ser399=; no amino-acid change (serine 399 retained).
Molecular consequence: synonymous variant.
Genome position (GRCh38, 1-based): chr11:66,863,945, G>A on the plus strand (C>T on the coding strand, the complement: PC is on the minus strand). VCF-style: chr11-66863945-G-A. GRCh37 (hg19) VCF-style: chr11-66631416-G-A.
Other names: c.1197C>T, p.Ser399= (NM_000920.4, NM_022172.3); c.1197C>T (NM_001040716.1).
Identifiers: ClinVar variation 1454688 (VCV001454688.11), dbSNP rs776840589, ClinGen allele CA6131937.
Genomic context (GRCh38, chr11:66,863,945, plus strand): 5'-CGAGATGACGGCTCCTTGGAAGGCGGAAGCATTATCCAGGCGGATGCCCATGCCCTCTCC[G>A]CTCCGGAACACCTGTGGGAAGGGTGAGGCGTGAGGACCTGCGCCAGAAACTGCGGTCAAA-3'
Protein context (NP_001035806.1, residues 389-409): PDTGRIEVFR[Ser399=]GEGMGIRLDN